The following is an entry in ClinVar:

ClinVar aggregate classification (germline): Uncertain significance (1 of 4 stars; one submission).

Conditions:
Familial melanoma. Also called: Hereditary melanoma; Hereditary cutaneous melanoma. Identifiers: Orphanet 618, MedGen C1512419, MONDO:0018961.

Submission:

Labcorp Genetics (formerly Invitae), Labcorp
Classification: Uncertain significance for Familial melanoma. Last evaluated: 2023-09-20. Review status: criteria provided, single submitter. Criteria: Invitae Variant Classification Sherloc (09022015). Collection method: clinical testing. Allele origin: germline.
Comment: In summary, the available evidence is currently insufficient to determine the role of this variant in disease. Therefore, it has been classified as a Variant of Uncertain Significance. Algorithms developed to predict the effect of sequence changes on RNA splicing suggest that this variant may disrupt the consensus splice site. This variant has not been reported in the literature in individuals affected with CDKN2A (p16INK4a)-related conditions. This variant is not present in population databases (gnomAD no frequency). This sequence change falls in intron 2 of the CDKN2A (p16INK4a) gene. It does not directly change the encoded amino acid sequence of the CDKN2A (p16INK4a) protein.

NM_000077.5(CDKN2A):c.458-14T>G

Gene: CDKN2A (cyclin dependent kinase inhibitor 2A; minus strand). Cytogenetic location: 9p21.3.
Variant type: single nucleotide variant.
Coding change: c.458-14T>G on transcript NM_000077.5 (MANE Select); 14 bases into the intron before coding-DNA position 458, T replaced by G.
Molecular consequence: intron variant.
Genome position (GRCh38, 1-based): chr9:21,968,256, A>C on the plus strand (T>G on the coding strand, the complement: CDKN2A is on the minus strand). VCF-style: chr9-21968256-A-C. GRCh37 (hg19) VCF-style: chr9-21968255-A-C.
Other names: c.305-14T>G (NM_001363763.2); c.*102-14T>G (NM_058195.4); c.*151-14T>G (NM_001195132.2); c.*381-14T>G (NM_058197.5).
Identifiers: ClinVar variation 2762089 (VCV002762089.3), dbSNP rs2489260790, ClinGen allele CA2697557688.
Genomic context (GRCh38, chr9:21,968,256, plus strand): 5'-TTCCCGAGGTTTCTCAGAGCCTCTCTGGTTCTTTCAATCGGGGATGTCTGCAGAGGGCAG[A>C]AAGAAAACAGGCGTTAGAAACCTGAGGTCAAAGATGTGTGGCACATCCCGCCCTCCTCTC-3'